The following is an entry in ClinVar:

ClinVar aggregate classification (germline): Uncertain significance (1 of 4 stars; one submission).

Conditions:
Pityriasis rubra pilaris (PRP). Also called: Pityriasis rubra pilaris--familial type. Identifiers: Orphanet 2897, MedGen C0032027, MONDO:0100017, OMIM 173200, MONDO:0008251.
Psoriasis 2. Identifiers: MedGen C1864497, MONDO:0011269, OMIM 602723.

Submission:

Labcorp Genetics (formerly Invitae), Labcorp
Classification: Uncertain significance for Pityriasis rubra pilaris; Psoriasis 2. Last evaluated: 2024-08-06. Review status: criteria provided, single submitter. Criteria: Invitae Variant Classification Sherloc (09022015). Collection method: clinical testing. Allele origin: germline.
Comment: This sequence change falls in intron 4 of the CARD14 gene. It does not directly change the encoded amino acid sequence of the CARD14 protein. This variant is not present in population databases (gnomAD no frequency). This variant has not been reported in the literature in individuals affected with CARD14-related conditions. Algorithms developed to predict the effect of sequence changes on RNA splicing suggest that this variant may disrupt the consensus splice site. In summary, the available evidence is currently insufficient to determine the role of this variant in disease. Therefore, it has been classified as a Variant of Uncertain Significance.

NM_001366385.1(CARD14):c.676-14T>G

Gene: CARD14 (caspase recruitment domain family member 14; plus strand). Cytogenetic location: 17q25.3.
Variant type: single nucleotide variant.
Coding change: c.676-14T>G on transcript NM_001366385.1 (MANE Select); 14 bases into the intron before coding-DNA position 676, T replaced by G.
Molecular consequence: intron variant.
Genome position (GRCh38, 1-based): chr17:80,188,363, T>G. VCF-style: chr17-80188363-T-G. GRCh37 (hg19) VCF-style: chr17-78162162-T-G.
Other names: c.676-14T>G (NM_024110.4, NM_001257970.1); c.-36-14T>G (NM_052819.3).
Identifiers: ClinVar variation 3757562 (VCV003757562.2).